The following is an entry in ClinVar:

ClinVar aggregate classification (germline): Pathogenic (1 of 4 stars; one submission).

Conditions:
Autosomal recessive polycystic kidney disease (ARPKD). Also called: AR polycystic kidney disease. Identifiers: Orphanet 731, Orphanet 8378, MedGen C0085548, MeSH D017044, MONDO:0009889.

Submission:

Labcorp Genetics (formerly Invitae), Labcorp
Classification: Pathogenic for Autosomal recessive polycystic kidney disease. Last evaluated: 2022-03-02. Review status: criteria provided, single submitter. Criteria: Invitae Variant Classification Sherloc (09022015). Collection method: clinical testing. Allele origin: germline.
Comment: For these reasons, this variant has been classified as Pathogenic. This variant has not been reported in the literature in individuals affected with PKHD1-related conditions. This variant is not present in population databases (gnomAD no frequency). This sequence change creates a premature translational stop signal (p.Leu2391Valfs*17) in the PKHD1 gene. It is expected to result in an absent or disrupted protein product. Loss-of-function variants in PKHD1 are known to be pathogenic (PMID: 19940839).

Literature cited by the submitters: PubMed 19940839.

NM_138694.4(PKHD1):c.7171_7172del (p.Leu2391fs)

Gene: PKHD1 (PKHD1 ciliary IPT domain containing fibrocystin/polyductin; minus strand). Cytogenetic location: 6p12.2.
Variant type: Microsatellite.
Coding change: c.7171_7172del on transcript NM_138694.4 (MANE Select); coding-DNA positions 7171 to 7172, 2 bases deleted (CT; older notation c.7171_7172delCT).
Protein change: p.Leu2391fs; shifts the reading frame from leucine 2391.
Molecular consequence: frameshift variant.
Genome position (GRCh38, 1-based): chr6:51,885,910-51,885,911, AG deleted on the plus strand (CT on the coding strand, the reverse complement: PKHD1 is on the minus strand); deleting any 2 consecutive bases within chr6:51,885,910-51,885,913 gives the same sequence; the c. name uses the placement nearest the transcript's 3' end. VCF-style (leftmost placement, unchanged base first): chr6-51885909-CAG-C. GRCh37 (hg19) VCF-style: chr6-51750707-CAG-C.
Other names: c.7171_7172del, p.Leu2391fs (NM_170724.3); short protein forms L2391fs.
Identifiers: ClinVar variation 2105838 (VCV002105838.4), dbSNP rs2536225752, ClinGen allele CA2580617254.